The following is an entry in ClinVar:

ClinVar aggregate classification (germline): Uncertain significance. Review status: criteria provided, single submitter (1 of 4 stars). 2 submissions from 2 submitters: Uncertain significance (1). 1 of the submissions does not count toward it.

Conditions:
Permanent neonatal diabetes mellitus (PNDM). Identifiers: Orphanet 99885, MedGen C1833104, MONDO:0100164, MONDO:0011643. Disease mechanism: gain of function.
Maturity-onset diabetes of the young (MODY). Also called: Maturity onset diabetes mellitus in young. Identifiers: Orphanet 552, MedGen C0342276, MONDO:0018911, HP:0004904.

Submissions (2):

Clinical Genomics, Uppaluri K&H Personalized Medicine Clinic
Classification: Uncertain significance for Maturity-onset diabetes of the young. Review status: criteria provided, single submitter. Criteria: K&H Uppaluri Personalized Medicine Clinic Variant Classification & Assertion Criteria. Collection method: research. Allele origin: somatic. Inheritance: Autosomal dominant inheritance.
Comment: Mutations in KCNJ11 gene can generally cause decreased production and secretion of insulin. This can lead to MODY which is responsive to oral sulfonylureas. It is also associated with Neonatal Diabetes. However, no sufficient evidence is found to ascertain the role of rs1953567712 variant in Diabetes Mellitus yet.

Natera, Inc.
Classification: Uncertain significance for Permanent neonatal diabetes mellitus. Last evaluated: 2020-04-13. Review status: no assertion criteria provided. Collection method: clinical testing. Allele origin: germline. Not counted in ClinVar's aggregate classification.

Literature cited by the submitters: PubMed 26448950 (cited by Clinical Genomics, Uppaluri K&H Personalized Medicine Clinic); PubMed 15580558 (cited by Clinical Genomics, Uppaluri K&H Personalized Medicine Clinic); PubMed 15718250 (cited by Clinical Genomics, Uppaluri K&H Personalized Medicine Clinic).

NM_000525.4(KCNJ11):c.1126G>T (p.Ala376Ser)

Gene: KCNJ11 (potassium inwardly rectifying channel subfamily J member 11; minus strand). Cytogenetic location: 11p15.1.
Variant type: single nucleotide variant.
Coding change: c.1126G>T on transcript NM_000525.4 (MANE Select); coding-DNA position 1126, G replaced by T.
Protein change: p.Ala376Ser; replaces alanine 376 with serine.
Molecular consequence: missense variant.
Genome position (GRCh38, 1-based): chr11:17,386,966, C>A on the plus strand (G>T on the coding strand, the complement: KCNJ11 is on the minus strand). VCF-style: chr11-17386966-C-A. GRCh37 (hg19) VCF-style: chr11-17408513-C-A.
Other names: c.865G>T, p.Ala289Ser (NM_001166290.2, NM_001377296.1, NM_001377297.1); short protein forms A289S, A376S.
Identifiers: ClinVar variation 992022 (VCV000992022.2), dbSNP rs1953567712, ClinGen allele CA379769204.